The following is an entry in ClinVar:

NM_002335.4(LRP5):c.3463G>A (p.Val1155Met)

Gene: LRP5 (LDL receptor related protein 5; plus strand). Cytogenetic location: 11q13.2.
Variant type: single nucleotide variant.
Coding change: c.3463G>A on transcript NM_002335.4 (MANE Select); coding-DNA position 3463, G replaced by A.
Protein change: p.Val1155Met; replaces valine 1155 with methionine.
Molecular consequence: missense variant.
Genome position (GRCh38, 1-based): chr11:68,426,013, G>A. VCF-style: chr11-68426013-G-A. GRCh37 (hg19) VCF-style: chr11-68193481-G-A.
Other names: c.1720G>A, p.Val574Met (NM_001291902.2); short protein forms V1155M, V574M.
Identifiers: ClinVar variation 1915705 (VCV001915705.5), dbSNP rs1373447487, ClinGen allele CA381621744.

ClinVar aggregate classification (germline): Uncertain significance (1 of 4 stars; one submission).

Allele frequency attached by ClinVar (database versions not stated): gnomAD 0.00001; TOPMed 0.00002.
gnomAD v4.1: 9 of 1,612,838 alleles (0.00056%); highest among the groups gnomAD compares: East Asian, 0.0067%; no homozygotes.

Submission:

Labcorp Genetics (formerly Invitae), Labcorp
Classification: Uncertain significance. Last evaluated: 2025-09-09. Review status: criteria provided, single submitter. Criteria: Invitae Variant Classification Sherloc (09022015). Collection method: clinical testing. Allele origin: germline.
Comment: This sequence change replaces valine, which is neutral and non-polar, with methionine, which is neutral and non-polar, at codon 1155 of the LRP5 protein (p.Val1155Met). This variant is present in population databases (no rsID available, gnomAD 0.0009%). This variant has not been reported in the literature in individuals affected with LRP5-related conditions. ClinVar contains an entry for this variant (Variation ID: 1915705). Invitae Evidence Modeling of protein sequence and biophysical properties (such as structural, functional, and spatial information, amino acid conservation, physicochemical variation, residue mobility, and thermodynamic stability) indicates that this missense variant is not expected to disrupt LRP5 protein function with a negative predictive value of 95%. In summary, the available evidence is currently insufficient to determine the role of this variant in disease. Therefore, it has been classified as a Variant of Uncertain Significance.